The following is an entry in ClinVar:

NM_001378183.1(PIEZO2):c.8568G>C (p.Met2856Ile)

Gene: PIEZO2 (piezo type mechanosensitive ion channel component 2; minus strand). Cytogenetic location: 18p11.22.
Variant type: single nucleotide variant.
Coding change: c.8568G>C on transcript NM_001378183.1 (MANE Select); coding-DNA position 8568, G replaced by C.
Protein change: p.Met2856Ile; replaces methionine 2856 with isoleucine.
Molecular consequence: missense variant.
Genome position (GRCh38, 1-based): chr18:10,671,557, C>G on the plus strand (G>C on the coding strand, the complement: PIEZO2 is on the minus strand). VCF-style: chr18-10671557-C-G. GRCh37 (hg19) VCF-style: chr18-10671554-C-G.
Other names: c.8304G>C, p.Met2768Ile (NM_001410871.1); c.8229G>C, p.Met2743Ile (NM_022068.4); short protein forms M2743I, M2768I, M2856I.
Identifiers: ClinVar variation 4136473 (VCV004136473.5).
Genomic context (GRCh38, chr18:10,671,557, plus strand): 5'-AACATTATTTGCAGTCTGTGTTCTAAGGTTTCAATTTGTTTTTTCTCTAGTCCATTTGAT[C>G]ATTGTCTCTGGTGAGCGATATAGGAATATTAATTTGGCATAGAGATCTTCTTCTAGCTCC-3'
Protein context (NP_001365112.1, residues 2846-2865): LIFLYRSPET[Met2856Ile]IKWTREKTN

ClinVar aggregate classification (germline): Uncertain significance. Review status: criteria provided, multiple submitters, no conflicts (2 of 4 stars). 2 submissions from 2 submitters: Uncertain significance (2). Last evaluated 2026-01-01.

Conditions:
Inborn genetic diseases. Identifiers: MedGen C0950123, MeSH D030342.

gnomAD v4.1: 12 of 1,612,838 alleles (0.00074%); highest among the groups gnomAD compares: Non-Finnish European, 0.00093%; no homozygotes.

Submissions (2):

CeGaT Center for Human Genetics Tuebingen
Classification: Uncertain significance. Last evaluated: 2026-01-01. Review status: criteria provided, single submitter. Criteria: CeGaT Center For Human Genetics Tuebingen Variant Classification Criteria Version 2. Collection method: clinical testing. Allele origin: germline. Affected: yes. Observed: 1 variant allele.
Comment: PIEZO2: PM2, PM3:Supporting

Ambry Genetics
Classification: Uncertain significance for Inborn genetic diseases. Last evaluated: 2025-06-26. Review status: criteria provided, single submitter. Criteria: Ambry Variant Classification Scheme 2023. Collection method: clinical testing. Allele origin: germline.